The following is an entry in ClinVar:

NM_006279.5(ST3GAL3):c.362G>A (p.Arg121Gln)

Gene: ST3GAL3 (ST3 beta-galactoside alpha-2,3-sialyltransferase 3; plus strand). Cytogenetic location: 1p34.1.
Variant type: single nucleotide variant.
Coding change: c.362G>A on transcript NM_006279.5 (MANE Select); coding-DNA position 362, G replaced by A.
Protein change: p.Arg121Gln; replaces arginine 121 with glutamine.
Molecular consequence: missense variant. On other transcripts: non-coding transcript variant (8), intron variant (1).
Genome position (GRCh38, 1-based): chr1:43,894,442, G>A. VCF-style: chr1-43894442-G-A. GRCh37 (hg19) VCF-style: chr1-44360114-G-A.
Other names: c.362G>A, p.Arg121Gln (NM_001270459.2, NM_001350620.2, NM_174966.4 and 1 more transcripts); c.269G>A, p.Arg90Gln (NM_001270460.2); c.314G>A, p.Arg105Gln (NM_001270461.3, NM_001270464.3, NM_174969.4 and 1 more transcripts); c.221G>A, p.Arg74Gln (NM_001270462.3); c.359G>A, p.Arg120Gln (NM_001270463.3, NM_001270465.3); c.407G>A, p.Arg136Gln (NM_001350619.2, NM_174964.4, NM_174965.4); c.83G>A, p.Arg28Gln (NM_001350621.2); c.524G>A, p.Arg175Gln (NM_001363573.2, NM_174968.5); and 3 more; short protein forms R190Q, R121Q, R105Q, R28Q, R74Q, R120Q, R136Q, R159Q.
Identifiers: ClinVar variation 198193 (VCV000198193.17), dbSNP rs201287443, ClinGen allele CA246716.

ClinVar aggregate classification (germline): Uncertain significance. Review status: criteria provided, multiple submitters, no conflicts (2 of 4 stars). 7 submissions from 7 submitters: Uncertain significance (6). 1 of the submissions does not count toward it. Last evaluated 2022-11-01.

Conditions:
Inborn genetic diseases. Identifiers: MedGen C0950123, MeSH D030342.
Intellectual developmental disorder, autosomal recessive 12. Also called: Intellectual disability, autosomal recessive 12. Identifiers: Orphanet 88616, MedGen C1970200, MONDO:0012612, OMIM 611090.
Developmental and epileptic encephalopathy, 15 (DEE15). Also called: Early infantile epileptic encephalopathy 15. Identifiers: Orphanet 3451, MedGen C3554316, MONDO:0014003, OMIM 615006.
Developmental and epileptic encephalopathy. Identifiers: MedGen C5779964, MONDO:0100620.
Generalized myoclonic seizure. Also called: Generalized myoclonic seizures; Myoclonic seizures. Identifiers: MedGen C4021759, HP:0002123.

Allele frequency attached by ClinVar (database versions not stated): 1000 Genomes Project 30x 0.00016; 1000 Genomes Project 0.00020; gnomAD 0.00025 and 0.00027; TOPMed 0.00035; ESP Exome Variant Server 0.00038; gnomAD exomes 0.00051.
gnomAD v4.1: 784 of 1,614,078 alleles (0.049%); highest among the groups gnomAD compares: Non-Finnish European, 0.06%; no homozygotes.

Submissions (7):

Labcorp Genetics (formerly Invitae), Labcorp
Classification: Uncertain significance for Early-infantile DEE. Last evaluated: 2022-11-01. Review status: criteria provided, single submitter. Criteria: Invitae Variant Classification Sherloc (09022015). Collection method: clinical testing. Allele origin: germline.
Comment: This sequence change replaces arginine, which is basic and polar, with glutamine, which is neutral and polar, at codon 121 of the ST3GAL3 protein (p.Arg121Gln). This variant is present in population databases (rs201287443, gnomAD 0.04%). This variant has not been reported in the literature in individuals affected with ST3GAL3-related conditions. ClinVar contains an entry for this variant (Variation ID: 198193). Advanced modeling of protein sequence and biophysical properties (such as structural, functional, and spatial information, amino acid conservation, physicochemical variation, residue mobility, and thermodynamic stability) performed at Invitae indicates that this missense variant is not expected to disrupt ST3GAL3 protein function. In summary, the available evidence is currently insufficient to determine the role of this variant in disease. Therefore, it has been classified as a Variant of Uncertain Significance.

Ambry Genetics
Classification: Uncertain significance for Inborn genetic diseases. Last evaluated: 2022-02-22. Review status: criteria provided, single submitter. Criteria: Ambry Variant Classification Scheme 2023. Collection method: clinical testing. Allele origin: germline.

Fulgent Genetics
Classification: Uncertain significance for Intellectual developmental disorder, autosomal recessive 12; Developmental and epileptic encephalopathy, 15. Last evaluated: 2018-10-31. Review status: criteria provided, single submitter. Criteria: ACMG Guidelines, 2015. Collection method: clinical testing. Allele origin: unknown.

Eurofins Ntd Llc (ga)
Classification: Uncertain significance. Last evaluated: 2016-07-01. Review status: criteria provided, single submitter. Criteria: EGL Classification Definitions 2015. Collection method: clinical testing. Allele origin: germline. Observed: 2 variant alleles, 2 heterozygotes.

Breakthrough Genomics
Classification: Uncertain significance. Review status: criteria provided, single submitter. Criteria: ACMG Guidelines, 2015. Collection method: not provided. Allele origin: germline. Inheritance: Autosomal recessive inheritance. Affected: yes.

Center for Genomics, Ann and Robert H. Lurie Children's Hospital of Chicago
Classification: Uncertain significance for Developmental and epileptic encephalopathy, 15; Intellectual developmental disorder, autosomal recessive 12. Review status: criteria provided, single submitter. Criteria: ACMG Guidelines, 2015. Collection method: clinical testing. Allele origin: germline.
Comment: ST3GAL3 NM_006279.4 exon 6 p.Arg121Gln (c.362G>A): This variant has not been reported in the literature but is present in 0.03% (27/68016) of European alleles in the Genome Aggregation Database. This variant is present in ClinVar (Variation ID:198193). Evolutionary conservation suggests that this variant may impact the protein; computational predictive tools suggest that this variant may not impact the protein. In summary, data on this variant is insufficient for disease classification. Therefore, the clinical significance of this variant is uncertain.

Clinical Molecular Genetics Laboratory, Johns Hopkins All Children's Hospital
Classification: Uncertain significance for myoclonic seizures. Last evaluated: 2017-03-31. Review status: no assertion criteria provided. Collection method: clinical testing. Allele origin: germline. Affected: yes. Not counted in ClinVar's aggregate classification.